The following is an entry in ClinVar:

ClinVar aggregate classification (germline): Uncertain significance (1 of 4 stars; one submission).

Submission:

Dasa
Classification: Uncertain significance. Last evaluated: 2024-10-08. Review status: criteria provided, single submitter. Criteria: DASA Assertion Criteria. Collection method: clinical testing. Allele origin: germline.
Comment: NM_001080512.3(BICC1):c.1012A>G (p.Ile338Val) is a missense variant that results in the substitution of isoleucine with valine. This variant is absent from population databases. Computational prediction algorithms are consistent with a benign effect. The currently available literature and clinical evidence are not sufficient to establish a definitive association between this variant and the reported condition. Therefore, this variant is classified as a variant of uncertain significance.

NM_001080512.3(BICC1):c.1012A>G (p.Ile338Val)

Gene: BICC1 (BicC family RNA binding protein 1; plus strand). Cytogenetic location: 10q21.1.
Variant type: single nucleotide variant.
Coding change: c.1012A>G on transcript NM_001080512.3 (MANE Select); coding-DNA position 1012, A replaced by G.
Protein change: p.Ile338Val; replaces isoleucine 338 with valine.
Molecular consequence: missense variant.
Genome position (GRCh38, 1-based): chr10:58,789,898, A>G. VCF-style: chr10-58789898-A-G. GRCh37 (hg19) VCF-style: chr10-60549658-A-G.
Other names: short protein forms I338V.
Identifiers: ClinVar variation 5021072 (VCV005021072.1).